The following is an entry in ClinVar:

NM_000051.4(ATM):c.4611+12A>G

Gene: ATM (ATM serine/threonine kinase; plus strand). Cytogenetic location: 11q22.3.
Variant type: single nucleotide variant.
Coding change: c.4611+12A>G on transcript NM_000051.4 (MANE Select); 12 bases into the intron after coding-DNA position 4611, A replaced by G.
Molecular consequence: intron variant.
Genome position (GRCh38, 1-based): chr11:108,292,805, A>G. VCF-style: chr11-108292805-A-G. GRCh37 (hg19) VCF-style: chr11-108163532-A-G.
Other names: c.4611+12A>G (NM_001351834.2).
Identifiers: ClinVar variation 377514 (VCV000377514.5), dbSNP rs1057520230, ClinGen allele CA16606814.
Genomic context (GRCh38, chr11:108,292,805, plus strand): 5'-TGGTACACTTATACCCCTTGTGTATGAGCAGGTGGAGGTTCAGAAACAGGTAATTTTCTG[A>G]CTCATCTTCAAAATGGTATTTAAAATATATAAAGTATTGTTAGAAGGATTTGAGTGTTTT-3'

ClinVar aggregate classification (germline): Likely benign. Review status: criteria provided, multiple submitters, no conflicts (2 of 4 stars). 2 submissions from 2 submitters: Likely benign (2). Last evaluated 2025-04-20.

Conditions:
Ataxia-telangiectasia syndrome (AT). Also called: LOUIS-BAR SYNDROME; ATAXIA-TELANGIECTASIA, COMPLEMENTATION GROUP A; ATAXIA-TELANGIECTASIA, FRESNO VARIANT; Ataxia-telangiectasia; Ataxia telangiectasia (A-T); Cerebello-oculocutaneous telangiectasia. Identifiers: Orphanet 100, MedGen C0004135, MONDO:0008840, OMIM 208900.

Submissions (2):

Labcorp Genetics (formerly Invitae), Labcorp
Classification: Likely benign for Ataxia-telangiectasia syndrome. Last evaluated: 2025-04-20. Review status: criteria provided, single submitter. Criteria: Invitae Variant Classification Sherloc (09022015). Collection method: clinical testing. Allele origin: germline.

GeneDx
Classification: Likely benign. Last evaluated: 2016-10-01. Review status: criteria provided, single submitter. Criteria: GeneDx Variant Classification (06012015). Collection method: clinical testing. Allele origin: germline. Affected: yes.
Comment: This variant is considered likely benign or benign based on one or more of the following criteria: it is a conservative change, it occurs at a poorly conserved position in the protein, it is predicted to be benign by multiple in silico algorithms, and/or has population frequency not consistent with disease.